The following is an entry in ClinVar:

ClinVar aggregate classification (germline): Uncertain significance. Review status: criteria provided, multiple submitters, no conflicts (2 of 4 stars). 2 submissions from 2 submitters: Uncertain significance (2). Last evaluated 2023-04-30.

Conditions:
Hereditary spastic paraplegia 7 (SPG7). Also called: Autosomal recessive spastic paraplegia type 7; Spastic paraplegia 7; Hereditary spastic paraplegia Paraplegin type; SPASTIC PARAPLEGIA 7, AUTOSOMAL RECESSIVE, WITH OR WITHOUT CEREBELLAR ATAXIA; SPG7-related neurologic disorder. Identifiers: Orphanet 99013, MedGen C1846564, MONDO:0011803, OMIM 607259.

Allele frequency attached by ClinVar (database versions not stated): ExAC 0.00001; gnomAD 0.00001; gnomAD exomes 0.00001; TOPMed 0.00001.
gnomAD v4.1: 17 of 1,613,956 alleles (0.0011%); highest among the groups gnomAD compares: Admixed American, 0.005%; no homozygotes.

Submissions (2):

Labcorp Genetics (formerly Invitae), Labcorp
Classification: Uncertain significance for Hereditary spastic paraplegia 7. Last evaluated: 2023-04-30. Review status: criteria provided, single submitter. Criteria: Invitae Variant Classification Sherloc (09022015). Collection method: clinical testing. Allele origin: germline.
Comment: In summary, the available evidence is currently insufficient to determine the role of this variant in disease. Therefore, it has been classified as a Variant of Uncertain Significance. Advanced modeling of protein sequence and biophysical properties (such as structural, functional, and spatial information, amino acid conservation, physicochemical variation, residue mobility, and thermodynamic stability) performed at Invitae indicates that this missense variant is expected to disrupt SPG7 protein function. This variant has not been reported in the literature in individuals affected with SPG7-related conditions. This variant is present in population databases (rs760540566, gnomAD 0.006%). This sequence change replaces arginine, which is basic and polar, with glutamine, which is neutral and polar, at codon 473 of the SPG7 protein (p.Arg473Gln).

Blueprint Genetics
Classification: Uncertain significance. Last evaluated: 2021-09-30. Review status: criteria provided, single submitter. Criteria: ACMG Guidelines, 2015. Collection method: clinical testing. Allele origin: germline.

NM_003119.4(SPG7):c.1418G>A (p.Arg473Gln)

Gene: SPG7 (SPG7 matrix AAA peptidase subunit, paraplegin; plus strand). Cytogenetic location: 16q24.3.
Variant type: single nucleotide variant.
Coding change: c.1418G>A on transcript NM_003119.4 (MANE Select); coding-DNA position 1418, G replaced by A.
Protein change: p.Arg473Gln; replaces arginine 473 with glutamine.
Molecular consequence: missense variant.
Genome position (GRCh38, 1-based): chr16:89,544,741, G>A. VCF-style: chr16-89544741-G-A. GRCh37 (hg19) VCF-style: chr16-89611149-G-A.
Other names: c.1418G>A, p.Arg473Gln (NM_001363850.1); short protein forms R473Q.
Identifiers: ClinVar variation 2739037 (VCV002739037.4), dbSNP rs760540566, ClinGen allele CA8244166.